The following is an entry in ClinVar:

ClinVar aggregate classification (germline): Likely benign (0 of 4 stars; one submission).

Conditions:
ITGA9-related disorder. Also called: ITGA9-related condition.

Allele frequency attached by ClinVar (database versions not stated): 1000 Genomes Project 30x 0.00016; 1000 Genomes Project 0.00020; ESP Exome Variant Server 0.00123; ExAC 0.00146; TOPMed 0.00163; gnomAD 0.00171; gnomAD exomes 0.00229.
gnomAD v4.1: 3,580 of 1,614,110 alleles (0.22%); highest among the groups gnomAD compares: Non-Finnish European, 0.28%; 5 homozygotes.

Submission:

PreventionGenetics, part of Exact Sciences
Classification: Likely benign for ITGA9-related condition. Last evaluated: 2020-01-22. Review status: no assertion criteria provided. Collection method: clinical testing. Allele origin: germline.
Comment: This variant is classified as likely benign based on ACMG/AMP sequence variant interpretation guidelines (Richards et al. 2015 PMID: 25741868, with internal and published modifications).

NM_002207.3(ITGA9):c.3045C>T (p.Ile1015=)

Genes: ITGA9 (integrin subunit alpha 9; plus strand), ITGA9-AS1 (ITGA9 antisense RNA 1; minus strand). Cytogenetic location: 3p22.2.
Variant type: single nucleotide variant.
Coding change: c.3045C>T on transcript NM_002207.3 (MANE Select); coding-DNA position 3045, C replaced by T.
Protein change: p.Ile1015=; no amino-acid change (isoleucine 1015 retained).
Molecular consequence: synonymous variant.
Genome position (GRCh38, 1-based): chr3:37,818,926, C>T. VCF-style: chr3-37818926-C-T. GRCh37 (hg19) VCF-style: chr3-37860417-C-T.
Identifiers: ClinVar variation 3044453 (VCV003044453.2), dbSNP rs142961075, ClinGen allele CA2311401.